The following is an entry in ClinVar:

NM_147127.5(EVC2):c.431C>T (p.Ser144Phe)

Gene: EVC2 (EvC ciliary complex subunit 2; minus strand). Cytogenetic location: 4p16.2.
Variant type: single nucleotide variant.
Coding change: c.431C>T on transcript NM_147127.5 (MANE Select); coding-DNA position 431, C replaced by T.
Protein change: p.Ser144Phe; replaces serine 144 with phenylalanine.
Molecular consequence: missense variant.
Genome position (GRCh38, 1-based): chr4:5,694,354, G>A on the plus strand (C>T on the coding strand, the complement: EVC2 is on the minus strand). VCF-style: chr4-5694354-G-A. GRCh37 (hg19) VCF-style: chr4-5696081-G-A.
Other names: c.191C>T, p.Ser64Phe (NM_001166136.2); short protein forms S144F, S64F.
Identifiers: ClinVar variation 2949127 (VCV002949127.3), dbSNP rs1721324770, ClinGen allele CA356150269.
Genomic context (GRCh38, chr4:5,694,354, plus strand): 5'-ACTTCTGGTATTTGTGTTAAAGCATTGAACTTAATACTTACCAGGCGGTGTGTTATAGGA[G>A]ACTCTCTTTTAAATAAGTTCTTCTTAGGCCAGGAGGGTATAAAAGCAAATAAGGAATGAG-3'
Protein context (NP_667338.3, residues 134-154): WPKKNLFKRE[Ser144Phe]PITHRLYGDI

ClinVar aggregate classification (germline): Uncertain significance (1 of 4 stars; one submission).

Conditions:
Curry-Hall syndrome (WAD). Also called: WEYERS ACRODENTAL DYSOSTOSIS. Identifiers: Orphanet 952, MedGen C0457013, MONDO:0008673, OMIM 193530.
Ellis-van Creveld syndrome (EVC). Also called: EVC-Related Ellis-van Creveld Syndrome; EVC2-Related Ellis-van Creveld Syndrome; MESOECTODERMAL DYSPLASIA; Chondroectodermal dysplasia. Identifiers: Orphanet 289, MedGen C0013903, MONDO:0009162, OMIM 225500.

Submission:

Labcorp Genetics (formerly Invitae), Labcorp
Classification: Uncertain significance for Curry-Hall syndrome; Ellis-van Creveld syndrome. Last evaluated: 2023-06-21. Review status: criteria provided, single submitter. Criteria: Invitae Variant Classification Sherloc (09022015). Collection method: clinical testing. Allele origin: germline.
Comment: This sequence change replaces serine, which is neutral and polar, with phenylalanine, which is neutral and non-polar, at codon 144 of the EVC2 protein (p.Ser144Phe). This variant is not present in population databases (gnomAD no frequency). This variant has not been reported in the literature in individuals affected with EVC2-related conditions. An algorithm developed to predict the effect of missense changes on protein structure and function (PolyPhen-2) suggests that this variant is likely to be disruptive. In summary, the available evidence is currently insufficient to determine the role of this variant in disease. Therefore, it has been classified as a Variant of Uncertain Significance.